The following is an entry in ClinVar:

ClinVar aggregate classification (germline): Uncertain significance. Review status: criteria provided, multiple submitters, no conflicts (2 of 4 stars). 2 submissions from 2 submitters: Uncertain significance (2). Last evaluated 2023-10-14.

Conditions:
Primary ciliary dyskinesia. Also called: Ciliary dyskinesia. Identifiers: Orphanet 244, MedGen C0008780, MONDO:0016575, HP:0012265.

Allele frequency attached by ClinVar (database versions not stated): gnomAD exomes 0.00005 and 0.00012; ExAC 0.00016; gnomAD 0.00060 and 0.00065; TOPMed 0.00063; ESP Exome Variant Server 0.00077.

Submissions (2):

Labcorp Genetics (formerly Invitae), Labcorp
Classification: Uncertain significance for Primary ciliary dyskinesia. Last evaluated: 2023-10-14. Review status: criteria provided, single submitter. Criteria: Invitae Variant Classification Sherloc (09022015). Collection method: clinical testing. Allele origin: germline.
Comment: This sequence change replaces phenylalanine, which is neutral and non-polar, with serine, which is neutral and polar, at codon 562 of the CCDC114 protein (p.Phe562Ser). This variant is present in population databases (rs144225230, gnomAD 0.2%). This variant has not been reported in the literature in individuals affected with CCDC114-related conditions. ClinVar contains an entry for this variant (Variation ID: 855681). An algorithm developed to predict the effect of missense changes on protein structure and function (PolyPhen-2) suggests that this variant is likely to be disruptive. In summary, the available evidence is currently insufficient to determine the role of this variant in disease. Therefore, it has been classified as a Variant of Uncertain Significance.

Ambry Genetics
Classification: Uncertain significance for Primary ciliary dyskinesia. Last evaluated: 2019-09-21. Review status: criteria provided, single submitter. Criteria: Ambry Variant Classification Scheme 2023. Collection method: clinical testing. Allele origin: germline.
Comment: The p.F562S variant (also known as c.1685T>C), located in coding exon 13 of the CCDC114 gene, results from a T to C substitution at nucleotide position 1685. The phenylalanine at codon 562 is replaced by serine, an amino acid with highly dissimilar properties. This amino acid position is well conserved in available vertebrate species. In addition, this alteration is predicted to be tolerated by in silico analysis. Since supporting evidence is limited at this time, the clinical significance of this alteration remains unclear.

NM_001364171.2(ODAD1):c.1796T>C (p.Phe599Ser)

Gene: ODAD1 (outer dynein arm docking complex subunit 1; minus strand). Cytogenetic location: 19q13.33.
Variant type: single nucleotide variant.
Coding change: c.1796T>C on transcript NM_001364171.2 (MANE Select); coding-DNA position 1796, T replaced by C.
Protein change: p.Phe599Ser; replaces phenylalanine 599 with serine.
Molecular consequence: missense variant.
Genome position (GRCh38, 1-based): chr19:48,297,304, A>G on the plus strand (T>C on the coding strand, the complement: ODAD1 is on the minus strand). VCF-style: chr19-48297304-A-G. GRCh37 (hg19) VCF-style: chr19-48800561-A-G.
Other names: c.1685T>C, p.Phe562Ser (NM_144577.4); short protein forms F599S, F562S.
Identifiers: ClinVar variation 855681 (VCV000855681.7), dbSNP rs144225230, ClinGen allele CA9548563.